The following is an entry in ClinVar:

ClinVar aggregate classification (germline): no classifications from unflagged records (0 of 4 stars; one submission).

Conditions:
Tip-toe gait. Also called: Toe walking. Identifiers: MedGen C0427144, HP:0030051.

Allele frequency attached by ClinVar (database versions not stated): TOPMed below 0.00001.

Submission:

Practice for Gait Abnormalities, David Pomarino, Competency Network Toe Walking C/o Practice Pomarino
Classification: Likely pathogenic for Tip-toe gait. Last evaluated: 2023-04-27. Review status: flagged submission. Collection method: clinical testing. Allele origin: germline. Affected: yes.
Comment: Hereditary motor sensory neuropathy (HMSN), also known as Charcot-Marie-Tooth Disease (CMT), is the most commonly inherited peripheral polyneuropathy. It constitutes a group of inherited, progressive, motor and sensory peripheral nerve disorders with properties of demyelination, axonal degeneration, or both. It is classified by clinical characteristics, modes of inheritance, electrophysiologic features, metabolic defects, and specific gene markers. Our patients all walk on tiptoe, so they show similar symptoms. When we genetically test them with our toe walking panel, we find that around 90 per cent of them have a genetic variant that explains their toe walking. These can be assigned, for example, to the area of myopathies (such as variants of the COL6A3 gene), the area of hereditary neuropathies (such as variants of the KMT2C gene) or the area of metabolic diseases (such as variants of the PYGM gene). In a smaller group of patients with almost identical symptoms, no abnormality is found in the genes of our panel, but spastic paraplegia can be detected. In another small group of our toe walkers, no abnormalities can be detected in the genes analysed in our toe walking panel, nor do they suffer from spastic paraplegia, as is also the case with healthy children. In contrast to these, however, they show a tiptoe gait. These patients suffer from infantile cerebral palsy, in which toe walking can also be observed.
ClinVar note: Notes: This gene has insufficient supporting evidence for isolated Tip-Toe Gait.
ClinVar note: Reason: Claim with insufficient supporting evidence

Literature cited by the submitters: PubMed 37091313.

NM_181882.3(PRX):c.185-1G>C

Gene: PRX (periaxin; minus strand). Cytogenetic location: 19q13.2.
Variant type: single nucleotide variant.
Coding change: c.185-1G>C on transcript NM_181882.3 (MANE Select); the canonical splice acceptor site of the intron before coding-DNA position 185, G replaced by C.
Molecular consequence: splice acceptor variant.
Genome position (GRCh38, 1-based): chr19:40,398,817, C>G on the plus strand (G>C on the coding strand, the complement: PRX is on the minus strand). VCF-style: chr19-40398817-C-G. GRCh37 (hg19) VCF-style: chr19-40904724-C-G.
Other names: c.185-1G>C (NM_020956.2); c.470-1G>C (NM_001411127.1).
Identifiers: ClinVar variation 2574606 (VCV002574606.2), dbSNP rs2079467582, ClinGen allele CA405901436.